The following is an entry in ClinVar:

ClinVar aggregate classification (germline): Benign/Likely benign. Review status: criteria provided, multiple submitters, no conflicts (2 of 4 stars). 5 submissions from 5 submitters: Benign (1); Likely benign (4). Last evaluated 2024-08-01.

Conditions:
Familial cancer of breast. Also called: BREAST CANCER, FAMILIAL; hereditary breast carcinoma; Hereditary breast cancer. Identifiers: Orphanet 227535, MedGen C0346153, MONDO:0016419, OMIM 114480. Disease mechanism: loss of function.
Hereditary cancer-predisposing syndrome. Also called: Neoplastic Syndromes, Hereditary; Hereditary Cancer Syndrome; Hereditary neoplastic syndrome; Tumor predisposition. Identifiers: Orphanet 140162, MedGen C0027672, MeSH D009386, MONDO:0015356.

Submissions (5):

Labcorp Genetics (formerly Invitae), Labcorp
Classification: Likely benign for Familial cancer of breast. Last evaluated: 2024-08-01. Review status: criteria provided, single submitter. Criteria: Invitae Variant Classification Sherloc (09022015). Collection method: clinical testing. Allele origin: germline.

Myriad Genetics, Inc.
Classification: Benign for Familial cancer of breast. Last evaluated: 2024-07-18. Review status: criteria provided, single submitter. Criteria: Myriad Autosomal Dominant, Autosomal Recessive and X-Linked Classification Criteria (2023). Collection method: clinical testing. Allele origin: unknown.
Comment: This variant is considered benign. This variant is a silent/synonymous amino acid change and it is not expected to impact splicing.

Women's Health and Genetics/Laboratory Corporation of America, LabCorp
Classification: Likely benign. Last evaluated: 2023-02-02. Review status: criteria provided, single submitter. Criteria: LabCorp Variant Classification Summary - May 2015. Collection method: clinical testing. Allele origin: germline.

Color Diagnostics, LLC DBA Color Health
Classification: Likely benign for Hereditary cancer-predisposing syndrome. Last evaluated: 2019-04-03. Review status: criteria provided, single submitter. Criteria: ACMG Guidelines, 2015. Collection method: clinical testing. Allele origin: germline.

Ambry Genetics
Classification: Likely benign for Hereditary cancer-predisposing syndrome. Last evaluated: 2016-05-20. Review status: criteria provided, single submitter. Criteria: Ambry Variant Classification Scheme 2023. Collection method: clinical testing. Allele origin: germline.

NM_000465.4(BARD1):c.165C>T (p.Asn55=)

Gene: BARD1 (BRCA1 associated RING domain 1; minus strand). Cytogenetic location: 2q35.
Variant type: single nucleotide variant.
Coding change: c.165C>T on transcript NM_000465.4 (MANE Select); coding-DNA position 165, C replaced by T.
Protein change: p.Asn55=; no amino-acid change (asparagine 55 retained).
Molecular consequence: synonymous variant. On other transcripts: non-coding transcript variant (2), intron variant (2).
Genome position (GRCh38, 1-based): chr2:214,797,111, G>A on the plus strand (C>T on the coding strand, the complement: BARD1 is on the minus strand). VCF-style: chr2-214797111-G-A. GRCh37 (hg19) VCF-style: chr2-215661835-G-A.
Other names: c.165C>T, p.Asn55= (NM_001282545.2, NM_001282549.2); c.158+12301C>T (NM_001282548.2); c.159-4666C>T (NM_001282543.2); c.165C>T (NM_000465.3).
Identifiers: ClinVar variation 479149 (VCV000479149.13), dbSNP rs1553625775, ClinGen allele CA431144938.